The following is an entry in ClinVar:

NM_001017995.3(SH3PXD2B):c.782T>G (p.Ile261Ser)

Gene: SH3PXD2B (SH3 and PX domains 2B; minus strand). Cytogenetic location: 5q35.1.
Variant type: single nucleotide variant.
Coding change: c.782T>G on transcript NM_001017995.3 (MANE Select); coding-DNA position 782, T replaced by G.
Protein change: p.Ile261Ser; replaces isoleucine 261 with serine.
Molecular consequence: missense variant.
Genome position (GRCh38, 1-based): chr5:172,353,891, A>C on the plus strand (T>G on the coding strand, the complement: SH3PXD2B is on the minus strand). VCF-style: chr5-172353891-A-C. GRCh37 (hg19) VCF-style: chr5-171780895-A-C.
Other names: c.782T>G, p.Ile261Ser (NM_001308175.2); short protein forms I261S.
Identifiers: ClinVar variation 2186123 (VCV002186123.4), dbSNP rs2532693281, ClinGen allele CA362143241.

ClinVar aggregate classification (germline): Uncertain significance (1 of 4 stars; one submission).

Submission:

Labcorp Genetics (formerly Invitae), Labcorp
Classification: Uncertain significance. Last evaluated: 2022-07-12. Review status: criteria provided, single submitter. Criteria: Invitae Variant Classification Sherloc (09022015). Collection method: clinical testing. Allele origin: germline.
Comment: This sequence change replaces isoleucine, which is neutral and non-polar, with serine, which is neutral and polar, at codon 261 of the SH3PXD2B protein (p.Ile261Ser). This variant is not present in population databases (gnomAD no frequency). This variant has not been reported in the literature in individuals affected with SH3PXD2B-related conditions. Algorithms developed to predict the effect of missense changes on protein structure and function (SIFT, PolyPhen-2, Align-GVGD) all suggest that this variant is likely to be disruptive. In summary, the available evidence is currently insufficient to determine the role of this variant in disease. Therefore, it has been classified as a Variant of Uncertain Significance.